The following is an entry in ClinVar:

ClinVar aggregate classification (germline): Uncertain significance. Review status: criteria provided, multiple submitters, no conflicts (2 of 4 stars). 2 submissions from 2 submitters: Uncertain significance (2). Last evaluated 2022-06-29.

Conditions:
Hereditary cancer-predisposing syndrome. Also called: Neoplastic Syndromes, Hereditary; Tumor predisposition; Hereditary Cancer Syndrome; Hereditary neoplastic syndrome. Identifiers: Orphanet 140162, MedGen C0027672, MeSH D009386, MONDO:0015356.
Familial adenomatous polyposis 1 (FAP1). Also called: FAMILIAL ADENOMATOUS POLYPOSIS 1, ATTENUATED; POLYPOSIS, ADENOMATOUS INTESTINAL. Identifiers: MedGen C2713442, MONDO:0021056, OMIM 175100. Disease mechanism: loss of function.

Submissions (2):

Labcorp Genetics (formerly Invitae), Labcorp
Classification: Uncertain significance for Familial adenomatous polyposis 1. Last evaluated: 2022-06-29. Review status: criteria provided, single submitter. Criteria: Invitae Variant Classification Sherloc (09022015). Collection method: clinical testing. Allele origin: germline.
Comment: In summary, the available evidence is currently insufficient to determine the role of this variant in disease. Therefore, it has been classified as a Variant of Uncertain Significance. Algorithms developed to predict the effect of missense changes on protein structure and function are either unavailable or do not agree on the potential impact of this missense change (SIFT: "Deleterious"; PolyPhen-2: "Probably Damaging"; Align-GVGD: "Class C15"). This variant has not been reported in the literature in individuals affected with APC-related conditions. This variant is not present in population databases (gnomAD no frequency). This sequence change replaces serine, which is neutral and polar, with tyrosine, which is neutral and polar, at codon 2300 of the APC protein (p.Ser2300Tyr).

Ambry Genetics
Classification: Uncertain significance for Hereditary cancer-predisposing syndrome. Last evaluated: 2022-01-19. Review status: criteria provided, single submitter. Criteria: Ambry Variant Classification Scheme 2023. Collection method: clinical testing. Allele origin: germline.
Comment: The p.S2300Y variant (also known as c.6899C>A), located in coding exon 15 of the APC gene, results from a C to A substitution at nucleotide position 6899. The serine at codon 2300 is replaced by tyrosine, an amino acid with dissimilar properties. This amino acid position is conserved. In addition, in silico predictors for this gene do not accurately predict pathogenicity. Since supporting evidence is limited at this time, the clinical significance of this alteration remains unclear.

NM_000038.6(APC):c.6899C>A (p.Ser2300Tyr)

Gene: APC (APC regulator of Wnt signaling pathway; plus strand). Cytogenetic location: 5q22.2.
Variant type: single nucleotide variant.
Coding change: c.6899C>A on transcript NM_000038.6 (MANE Select); coding-DNA position 6899, C replaced by A.
Protein change: p.Ser2300Tyr; replaces serine 2300 with tyrosine.
Molecular consequence: missense variant.
Genome position (GRCh38, 1-based): chr5:112,842,493, C>A. VCF-style: chr5-112842493-C-A. GRCh37 (hg19) VCF-style: chr5-112178190-C-A.
Other names: c.6824C>A, p.Ser2275Tyr (NM_001354898.2); c.6815C>A, p.Ser2272Tyr (NM_001354899.2); c.6776C>A, p.Ser2259Tyr (NM_001354900.2); c.6722C>A, p.Ser2241Tyr (NM_001354901.2, NM_001407453.1); c.6626C>A, p.Ser2209Tyr (NM_001354902.2); c.6596C>A, p.Ser2199Tyr (NM_001354903.2, NM_001407458.1, NM_001407459.1 and 1 more transcripts); c.6521C>A, p.Ser2174Tyr (NM_001354904.2); c.6419C>A, p.Ser2140Tyr (NM_001354905.2); and 11 more; short protein forms S2290Y, S2310Y, S2318Y, S1916Y, S2140Y, S2209Y, S2241Y, S2300Y.
Identifiers: ClinVar variation 1756020 (VCV001756020.7), dbSNP rs2149975815, ClinGen allele CA16036384.